The following is an entry in ClinVar:

NM_001164508.2(NEB):c.12748-1_12761del

Gene: NEB (nebulin; minus strand). Cytogenetic location: 2q23.3.
Variant type: Deletion.
Coding change: c.12748-1_12761del on transcript NM_001164508.2 (MANE Select); the canonical splice acceptor site of the intron before coding-DNA position 12748 through coding-DNA position 12761, 15 bases deleted (GTACAAATACAAAGA).
Molecular consequence: splice acceptor variant. On other transcripts: intron variant (1).
Genome position (GRCh38, 1-based): chr2:151,604,858-151,604,872, TCTTTGTATTTGTAC deleted on the plus strand (GTACAAATACAAAGA on the coding strand, the reverse complement: NEB is on the minus strand); deleting any 15 consecutive bases within chr2:151,604,858-151,604,873 gives the same sequence; the c. name uses the placement nearest the transcript's 3' end. VCF-style (leftmost placement, unchanged base first): chr2-151604857-TTCTTTGTATTTGTAC-T. GRCh37 (hg19) VCF-style: chr2-152461371-TTCTTTGTATTTGTAC-T.
Other names: c.11601+4937_11601+4951del (NM_004543.5); c.12748-1_12761del (NM_001164507.2, NM_001271208.2).
Identifiers: ClinVar variation 1068062 (VCV001068062.7), dbSNP rs2153940927, ClinGen allele CA2499215068.

ClinVar aggregate classification (germline): Likely pathogenic (1 of 4 stars; one submission).

Conditions:
Nemaline myopathy 2 (NEM2). Also called: Nemaline myopathy 2, autosomal recessive. Identifiers: MedGen C1850569, MONDO:0009725, OMIM 256030.

Submission:

Labcorp Genetics (formerly Invitae), Labcorp
Classification: Likely pathogenic for Nemaline myopathy 2. Last evaluated: 2020-08-27. Review status: criteria provided, single submitter. Criteria: Invitae Variant Classification Sherloc (09022015). Collection method: clinical testing. Allele origin: germline.
Comment: This variant has not been reported in the literature in individuals with NEB-related conditions. This variant results in the deletion of part of exon 85 (c.12748-1_12761del) of the NEB gene. It is expected to disrupt RNA splicing and likely results in an absent or disrupted protein product. This variant occurs in a region of NEB (exons 82-105) consisting of three highly homologous 8-exon repeat units (exons 82-89, exons 90-97, exons 98-105). Sequence variants in this region can be detected, but this assay cannot determine which of the three repeat units is affected, and zygosity is often ambiguous. All variants in this region are reported relative to the exon 82-89 repeat. Algorithms developed to predict the effect of sequence changes on RNA splicing suggest that this variant may disrupt the consensus splice site, but this prediction has not been confirmed by published transcriptional studies. In summary, the currently available evidence indicates that the variant is pathogenic, but additional data are needed to prove that conclusively. Therefore, this variant has been classified as Likely Pathogenic. Loss-of-function variants in NEB are known to be pathogenic (PMID: 25205138).

Literature cited by the submitters: PubMed 25205138.